The following is an entry in ClinVar:

NM_001035.3(RYR2):c.5846A>G (p.Gln1949Arg)

Gene: RYR2 (ryanodine receptor 2; plus strand). Cytogenetic location: 1q43.
Variant type: single nucleotide variant.
Coding change: c.5846A>G on transcript NM_001035.3 (MANE Select); coding-DNA position 5846, A replaced by G.
Protein change: p.Gln1949Arg; replaces glutamine 1949 with arginine.
Molecular consequence: missense variant.
Genome position (GRCh38, 1-based): chr1:237,617,416, A>G. VCF-style: chr1-237617416-A-G. GRCh37 (hg19) VCF-style: chr1-237780716-A-G.
Other names: c.5846A>G (NM_001035.2); short protein forms Q1949R.
Identifiers: ClinVar variation 3718428 (VCV003718428.3).

ClinVar aggregate classification (germline): Uncertain significance. Review status: criteria provided, multiple submitters, no conflicts (2 of 4 stars). 2 submissions from 2 submitters: Uncertain significance (2). Last evaluated 2025-12-21.

Conditions:
Catecholaminergic polymorphic ventricular tachycardia 1. Also called: VENTRICULAR TACHYCARDIA, CATECHOLAMINERGIC POLYMORPHIC, 1, WITH OR WITHOUT ATRIAL DYSFUNCTION AND/OR DILATED CARDIOMYOPATHY; RYR2-Related Catecholaminergic Polymorphic Ventricular Tachycardia; VENTRICULAR TACHYCARDIA, STRESS-INDUCED POLYMORPHIC 1. Identifiers: Orphanet 3286, MedGen C1631597, MONDO:0011484, OMIM 604772.
Cardiovascular phenotype. Identifiers: MedGen CN230736.

Submissions (2):

Ambry Genetics
Classification: Uncertain significance for Cardiovascular phenotype. Last evaluated: 2025-12-21. Review status: criteria provided, single submitter. Criteria: Ambry Variant Classification Scheme 2023. Collection method: clinical testing. Allele origin: germline.
Comment: The p.Q1949R variant (also known as c.5846A>G), located in coding exon 38 of the RYR2 gene, results from an A to G substitution at nucleotide position 5846. The glutamine at codon 1949 is replaced by arginine, an amino acid with highly similar properties. This amino acid position is conserved. In addition, this alteration is predicted to be tolerated by in silico analysis. Based on the available evidence, the clinical significance of this variant remains unclear.

Labcorp Genetics (formerly Invitae), Labcorp
Classification: Uncertain significance for Catecholaminergic polymorphic ventricular tachycardia 1. Last evaluated: 2024-09-24. Review status: criteria provided, single submitter. Criteria: Invitae Variant Classification Sherloc (09022015). Collection method: clinical testing. Allele origin: germline.
Comment: This sequence change replaces glutamine, which is neutral and polar, with arginine, which is basic and polar, at codon 1949 of the RYR2 protein (p.Gln1949Arg). This variant is not present in population databases (gnomAD no frequency). This variant has not been reported in the literature in individuals affected with RYR2-related conditions. Invitae Evidence Modeling of protein sequence and biophysical properties (such as structural, functional, and spatial information, amino acid conservation, physicochemical variation, residue mobility, and thermodynamic stability) indicates that this missense variant is not expected to disrupt RYR2 protein function with a negative predictive value of 95%. In summary, the available evidence is currently insufficient to determine the role of this variant in disease. Therefore, it has been classified as a Variant of Uncertain Significance.